The following is an entry in ClinVar:

NM_172245.4(CSF2RA):c.*49G>T

Gene: CSF2RA (colony stimulating factor 2 receptor subunit alpha; plus strand). Cytogenetic location: Xp22.33.
Variant type: single nucleotide variant.
Coding change: c.*49G>T on transcript NM_172245.4 (MANE Select); 49 bases downstream of the stop codon, G replaced by T.
Molecular consequence: 3 prime UTR variant. On other transcripts: missense variant (1), non-coding transcript variant (1), intron variant (6).
Genome position (GRCh38, 1-based): chrX:1,309,528, G>T. VCF-style: chrX-1309528-G-T. GRCh37 (hg19) VCF-style: chrX-1428421-G-T.
Other names: c.*49G>T (NM_001161529.2, NM_001161530.2, NM_001161532.2 and 7 more transcripts); c.*153G>T (NM_001379167.1, NM_001379168.1, NM_001379169.1 and 2 more transcripts); c.1073G>T, p.Arg358Leu (NM_172246.4); c.1125+4001G>T (NM_001379163.1, NM_001379162.1, NM_001379164.1 and 2 more transcripts); c.1126-2741G>T (NM_001379159.1); short protein forms R358L.
Identifiers: ClinVar variation 226543 (VCV000226543.10), dbSNP rs28722602, ClinGen allele CA10331305.

ClinVar aggregate classification (germline): Benign/Likely benign. Review status: criteria provided, multiple submitters, no conflicts (2 of 4 stars). 5 submissions from 5 submitters: Benign (3); Likely benign (1). 1 of the submissions does not count toward it. Last evaluated 2024-11-28.

Conditions:
CSF2RA-related disorder. Also called: CSF2RA-related condition.

Allele frequency attached by ClinVar (database versions not stated): ESP Exome Variant Server 0.13864; TOPMed 0.14909; 1000 Genomes Project 30x 0.20832.

Submissions (5):

Blueprint Genetics
Classification: Likely benign. Last evaluated: 2024-11-28. Review status: criteria provided, single submitter. Criteria: ACMG Guidelines, 2015. Collection method: clinical testing. Allele origin: germline.

GeneDx
Classification: Benign. Last evaluated: 2019-02-06. Review status: criteria provided, single submitter. Criteria: GeneDx Variant Classification Process June 2021. Collection method: clinical testing. Allele origin: germline. Affected: yes.

Laboratory for Molecular Medicine, Mass General Brigham Personalized Medicine
Classification: Benign. Last evaluated: 2014-11-26. Review status: criteria provided, single submitter. Criteria: LMM Criteria. Collection method: clinical testing. Allele origin: germline. Observed: 9 variant alleles.
Comment: p.Arg358Leu in exon 11 of CSF2RA: This variant is not expected to have clinical significance because it has been identified in 30% (1324/4406) of African Americ an chromosomes by the NHLBI Exome Sequencing Project (du/EVS/; dbSNP rs28722602).

Breakthrough Genomics
Classification: Benign. Review status: criteria provided, single submitter. Criteria: ACMG Guidelines, 2015. Collection method: not provided. Allele origin: germline. Inheritance: Unknown mechanism. Affected: yes.

PreventionGenetics, part of Exact Sciences
Classification: Likely benign for CSF2RA-related condition. Last evaluated: 2020-07-03. Review status: no assertion criteria provided. Collection method: clinical testing. Allele origin: germline. Not counted in ClinVar's aggregate classification.
Comment: This variant is classified as likely benign based on ACMG/AMP sequence variant interpretation guidelines (Richards et al. 2015 PMID: 25741868, with internal and published modifications).